The following is an entry in ClinVar:

ClinVar aggregate classification (germline): Uncertain significance. Review status: criteria provided, multiple submitters, no conflicts (2 of 4 stars). 2 submissions from 2 submitters: Uncertain significance (2). Last evaluated 2024-11-08.

Allele frequency attached by ClinVar (database versions not stated): gnomAD exomes 0.00001; ExAC 0.00002; gnomAD 0.00003; TOPMed 0.00003.
gnomAD v4.1: 21 of 1,613,968 alleles (0.0013%); highest among the groups gnomAD compares: Middle Eastern, 0.016%; no homozygotes.

Submissions (2):

Ambry Genetics
Classification: Uncertain significance. Last evaluated: 2024-11-08. Review status: criteria provided, single submitter. Criteria: Ambry Variant Classification Scheme 2023. Collection method: clinical testing. Allele origin: germline.

Labcorp Genetics (formerly Invitae), Labcorp
Classification: Uncertain significance. Last evaluated: 2022-07-25. Review status: criteria provided, single submitter. Criteria: Invitae Variant Classification Sherloc (09022015). Collection method: clinical testing. Allele origin: germline.
Comment: This sequence change replaces arginine, which is basic and polar, with glutamine, which is neutral and polar, at codon 898 of the LIG1 protein (p.Arg898Gln). This variant is present in population databases (rs752573864, gnomAD 0.006%). This variant has not been reported in the literature in individuals affected with LIG1-related conditions. Algorithms developed to predict the effect of missense changes on protein structure and function output the following: SIFT: "Tolerated"; PolyPhen-2: "Benign"; Align-GVGD: "Class C0". The glutamine amino acid residue is found in multiple mammalian species, which suggests that this missense change does not adversely affect protein function. In summary, the available evidence is currently insufficient to determine the role of this variant in disease. Therefore, it has been classified as a Variant of Uncertain Significance.

NM_000234.3(LIG1):c.2693G>A (p.Arg898Gln)

Gene: LIG1 (DNA ligase 1; minus strand). Cytogenetic location: 19q13.33.
Variant type: single nucleotide variant.
Coding change: c.2693G>A on transcript NM_000234.3 (MANE Select); coding-DNA position 2693, G replaced by A.
Protein change: p.Arg898Gln; replaces arginine 898 with glutamine.
Molecular consequence: missense variant. On other transcripts: non-coding transcript variant (6).
Genome position (GRCh38, 1-based): chr19:48,115,716, C>T on the plus strand (G>A on the coding strand, the complement: LIG1 is on the minus strand). VCF-style: chr19-48115716-C-T. GRCh37 (hg19) VCF-style: chr19-48618973-C-T.
Other names: c.2600G>A, p.Arg867Gln (NM_001289063.2); c.2489G>A, p.Arg830Gln (NM_001289064.2); c.2690G>A, p.Arg897Gln (NM_001320970.2); c.2603G>A, p.Arg868Gln (NM_001320971.2); short protein forms R868Q, R867Q, R898Q, R830Q, R897Q.
Identifiers: ClinVar variation 2081434 (VCV002081434.2), dbSNP rs752573864, ClinGen allele CA9546292.